The following is an entry in ClinVar:

NM_014515.7(CNOT2):c.203_211delinsACCATCTACA (p.Leu68fs)

Gene: CNOT2 (CCR4-NOT transcription complex subunit 2; plus strand). Cytogenetic location: 12q15.
Variant type: Indel.
Coding change: c.203_211delinsACCATCTACA on transcript NM_014515.7 (MANE Select); coding-DNA positions 203 to 211, TGTCTCAGT replaced by ACCATCTACA.
Protein change: p.Leu68fs; shifts the reading frame from leucine 68.
Molecular consequence: frameshift variant. On other transcripts: non-coding transcript variant (1), intron variant (1).
Genome position (GRCh38, 1-based): chr12:70,319,329-70,319,337, TGTCTCAGT replaced by ACCATCTACA. VCF-style: chr12-70319329-TGTCTCAGT-ACCATCTACA. GRCh37 (hg19) VCF-style: chr12-70713109-TGTCTCAGT-ACCATCTACA.
Other names: c.203_211delinsACCATCTACA, p.Leu68fs (NM_001199302.2, NM_001199303.2, NM_001414651.1 and 2 more transcripts); c.176_184delinsACCATCTACA, p.Leu59fs (NM_001414653.1, NM_001414654.1, NM_001414655.1); c.143_151delinsACCATCTACA, p.Leu48fs (NM_001414657.1, NM_001414658.1, NM_001414659.1 and 1 more transcripts); c.80_88delinsACCATCTACA, p.Leu27fs (NM_001414661.1); c.196+7_196+15delinsACCATCTACA (NM_001414656.1); short protein forms L27fs, L48fs, L59fs, L68fs.
Identifiers: ClinVar variation 3369381 (VCV003369381.1).

ClinVar aggregate classification (germline): Pathogenic (1 of 4 stars; one submission).

Submission:

GeneDx
Classification: Pathogenic. Last evaluated: 2024-02-15. Review status: criteria provided, single submitter. Criteria: GeneDx Variant Classification Process June 2021. Collection method: clinical testing. Allele origin: germline. Affected: yes.
Comment: Frameshift variant predicted to result in protein truncation or nonsense mediated decay in a gene for which loss of function is a known mechanism of disease; Not observed at significant frequency in large population cohorts (gnomAD); Has not been previously published as pathogenic or benign to our knowledge